The following is an entry in ClinVar:

ClinVar aggregate classification (germline): Uncertain significance (1 of 4 stars; one submission).

Conditions:
Hereditary insensitivity to pain with anhidrosis (CIPA). Also called: NTRK1 Congenital Insensitivity to Pain with Anhidrosis; HSAN Type IV; FAMILIAL DYSAUTONOMIA, TYPE II; INSENSITIVITY TO PAIN, CONGENITAL, WITH ANHIDROSIS; NEUROPATHY, CONGENITAL SENSORY, WITH ANHIDROSIS; hereditary sensory and autonomic neuropathy type 4. Identifiers: Orphanet 642, MedGen C0020074, MONDO:0009746, OMIM 256800.

Submission:

Labcorp Genetics (formerly Invitae), Labcorp
Classification: Uncertain significance for Hereditary insensitivity to pain with anhidrosis. Last evaluated: 2021-03-23. Review status: criteria provided, single submitter. Criteria: Invitae Variant Classification Sherloc (09022015). Collection method: clinical testing. Allele origin: germline.
Comment: In summary, the available evidence is currently insufficient to determine the role of this variant in disease. Therefore, it has been classified as a Variant of Uncertain Significance. Advanced modeling of protein sequence and biophysical properties (such as structural, functional, and spatial information, amino acid conservation, physicochemical variation, residue mobility, and thermodynamic stability) performed at Invitae indicates that this missense variant is not expected to disrupt NTRK1 protein function. This variant has not been reported in the literature in individuals with NTRK1-related conditions. This variant is not present in population databases (ExAC no frequency). This sequence change replaces glycine with serine at codon 679 of the NTRK1 protein (p.Gly679Ser). The glycine residue is highly conserved and there is a small physicochemical difference between glycine and serine.

NM_002529.4(NTRK1):c.2053G>A (p.Gly685Ser)

Gene: NTRK1 (neurotrophic receptor tyrosine kinase 1; plus strand). Cytogenetic location: 1q23.1.
Variant type: single nucleotide variant.
Coding change: c.2053G>A on transcript NM_002529.4 (MANE Select); coding-DNA position 2053, G replaced by A.
Protein change: p.Gly685Ser; replaces glycine 685 with serine.
Molecular consequence: missense variant.
Genome position (GRCh38, 1-based): chr1:156,880,005, G>A. VCF-style: chr1-156880005-G-A. GRCh37 (hg19) VCF-style: chr1-156849797-G-A.
Other names: c.1945G>A, p.Gly649Ser (NM_001007792.1); c.2035G>A, p.Gly679Ser (NM_001012331.2); short protein forms G649S, G685S, G679S.
Identifiers: ClinVar variation 1392462 (VCV001392462.8), dbSNP rs1648159350, ClinGen allele CA342940212.
Genomic context (GRCh38, chr1:156,880,005, plus strand): 5'-TTGACGGGCTGTCCCAGGCGCCCCTGGAATTGATGCAGTGTCCGCCCGTGGCAGGTGGGA[G>A]GCCGCACCATGCTGCCCATTCGCTGGATGCCGCCCGAGAGCATCCTGTACCGTAAGTTCA-3'
Protein context (NP_002520.2, residues 675-695): IYSTDYYRVG[Gly685Ser]RTMLPIRWMP